The following is an entry in ClinVar:

NM_058246.4(DNAJB6):c.754G>A (p.Ala252Thr)

Gene: DNAJB6 (DnaJ heat shock protein family (Hsp40) member B6; plus strand). Cytogenetic location: 7q36.3.
Variant type: single nucleotide variant.
Coding change: c.754G>A on transcript NM_058246.4 (MANE Select); coding-DNA position 754, G replaced by A.
Protein change: p.Ala252Thr; replaces alanine 252 with threonine.
Molecular consequence: missense variant.
Genome position (GRCh38, 1-based): chr7:157,409,857, G>A. VCF-style: chr7-157409857-G-A. GRCh37 (hg19) VCF-style: chr7-157202551-G-A.
Other names: c.754G>A (NM_058246.3); c.409G>A, p.Ala137Thr (NM_001363676.1); short protein forms A137T, A252T.
Identifiers: ClinVar variation 2000290 (VCV002000290.5), dbSNP rs777690233, ClinGen allele CA370167264.
Genomic context (GRCh38, chr7:157,409,857, plus strand): 5'-GTGGCCGACGACGATGCCCTCGCTGAGGAGCGCATGCGGAGAGGCCAGAACGCCCTGCCA[G>A]CCCAGCCTGCCGGCCTCCGCCCGCCGAAGCCGCCCCGGCCTGCCTCGCTGCTGAGACACG-3'
Protein context (NP_490647.1, residues 242-262): RMRRGQNALP[Ala252Thr]QPAGLRPPKP

ClinVar aggregate classification (germline): Uncertain significance. Review status: criteria provided, multiple submitters, no conflicts (2 of 4 stars). 2 submissions from 2 submitters: Uncertain significance (2). Last evaluated 2024-06-18.

Conditions:
Autosomal dominant limb-girdle muscular dystrophy type 1D (DNAJB6) (LGMDD1). Also called: MUSCULAR DYSTROPHY, LIMB-GIRDLE, TYPE 1D; Autosomal dominant limb-girdle muscular dystrophy type 1D; Muscular dystrophy, limb-girdle, autosomal dominant 1; MUSCULAR DYSTROPHY, AUTOSOMAL DOMINANT, WITH RIMMED VACUOLES. Identifiers: Orphanet 34516, MedGen C4721885, MONDO:0021018, OMIM 603511.
Inborn genetic diseases. Identifiers: MedGen C0950123, MeSH D030342.

Allele frequency attached by ClinVar (database versions not stated): TOPMed below 0.00001.

Submissions (2):

Labcorp Genetics (formerly Invitae), Labcorp
Classification: Uncertain significance for Autosomal dominant limb-girdle muscular dystrophy type 1D (DNAJB6). Last evaluated: 2024-06-18. Review status: criteria provided, single submitter. Criteria: Invitae Variant Classification Sherloc (09022015). Collection method: clinical testing. Allele origin: germline.
Comment: This sequence change replaces alanine, which is neutral and non-polar, with threonine, which is neutral and polar, at codon 252 of the DNAJB6 protein (p.Ala252Thr). This variant is not present in population databases (gnomAD no frequency). This variant has not been reported in the literature in individuals affected with DNAJB6-related conditions. Advanced modeling of protein sequence and biophysical properties (such as structural, functional, and spatial information, amino acid conservation, physicochemical variation, residue mobility, and thermodynamic stability) performed at Invitae indicates that this missense variant is not expected to disrupt DNAJB6 protein function with a negative predictive value of 80%. In summary, the available evidence is currently insufficient to determine the role of this variant in disease. Therefore, it has been classified as a Variant of Uncertain Significance.

Ambry Genetics
Classification: Uncertain significance for Inborn genetic diseases. Last evaluated: 2024-06-07. Review status: criteria provided, single submitter. Criteria: Ambry Variant Classification Scheme 2023. Collection method: clinical testing. Allele origin: germline.